The following is an entry in ClinVar:

NM_015335.5(MED13L):c.4921A>G (p.Ser1641Gly)

Gene: MED13L (mediator complex subunit 13L; minus strand). Cytogenetic location: 12q24.21.
Variant type: single nucleotide variant.
Coding change: c.4921A>G on transcript NM_015335.5 (MANE Select); coding-DNA position 4921, A replaced by G.
Protein change: p.Ser1641Gly; replaces serine 1641 with glycine.
Molecular consequence: missense variant.
Genome position (GRCh38, 1-based): chr12:115,983,151, T>C on the plus strand (A>G on the coding strand, the complement: MED13L is on the minus strand). VCF-style: chr12-115983151-T-C. GRCh37 (hg19) VCF-style: chr12-116420956-T-C.
Other names: short protein forms S1641G.
Identifiers: ClinVar variation 2643361 (VCV002643361.24), dbSNP rs1877448884, ClinGen allele CA386882486.

ClinVar aggregate classification (germline): Uncertain significance. Review status: criteria provided, multiple submitters, no conflicts (2 of 4 stars). 2 submissions from 2 submitters: Uncertain significance (2). Last evaluated 2023-03-01.

Conditions:
Cardiac anomalies - developmental delay - facial dysmorphism syndrome (MRFACD). Also called: Impaired intellectual development and distinctive facial features with or without cardiac defects; MED13L Syndrome. Identifiers: Orphanet 369891, MedGen C5192431, MONDO:0014773, OMIM 616789.

gnomAD v4.1: 3 of 1,614,082 alleles (0.00019%); no homozygotes.

Submissions (2):

CeGaT Center for Human Genetics Tuebingen
Classification: Uncertain significance. Last evaluated: 2023-03-01. Review status: criteria provided, single submitter. Criteria: CeGaT Center For Human Genetics Tuebingen Variant Classification Criteria Version 2. Collection method: clinical testing. Allele origin: germline. Affected: yes. Observed: 2 variant alleles.
Comment: MED13L: PM2, PP2, BP4

Institute of Human Genetics, University Hospital of Duesseldorf
Classification: Uncertain significance for Cardiac anomalies - developmental delay - facial dysmorphism syndrome. Review status: criteria provided, single submitter. Criteria: ACMG Guidelines, 2015. Collection method: not provided. Allele origin: germline. Inheritance: Autosomal dominant inheritance. Affected: yes.